The following is an entry in ClinVar:

ClinVar aggregate classification (germline): Uncertain significance (1 of 4 stars; one submission).

Conditions:
Hereditary spastic paraplegia 11. Also called: Spastic Paraplegia 11; Spastic paraplegia, mental retardation and thin corpus callosum; Nakamura Osame syndrome; Autosomal recessive hereditary spastic paraplegia, mental impairment, and thin corpus callosum; SPASTIC PARAPLEGIA, AUTOSOMAL RECESSIVE, COMPLICATED, WITH THIN CORPUS CALLOSUM; SPASTIC PARAPLEGIA, AUTOSOMAL RECESSIVE, WITH MENTAL IMPAIRMENT AND THIN CORPUS CALLOSUM. Identifiers: Orphanet 2822, MedGen C1858479, MONDO:0011445, OMIM 604360.

Allele frequency attached by ClinVar (database versions not stated): gnomAD exomes below 0.00001 and 0.00001.
gnomAD v4.1: 7 of 1,614,110 alleles (0.00043%); highest among the groups gnomAD compares: Non-Finnish European, 0.00059%; no homozygotes.

Submission:

Labcorp Genetics (formerly Invitae), Labcorp
Classification: Uncertain significance for Hereditary spastic paraplegia 11. Last evaluated: 2016-10-12. Review status: criteria provided, single submitter. Criteria: Invitae Variant Classification Sherloc (09022015). Collection method: clinical testing. Allele origin: germline.
Comment: In summary, this variant is a novel missense change with uncertain impact on protein function. It has been classified as a Variant of Uncertain Significance. Algorithms developed to predict the effect of missense changes on protein structure and function do not agree on the potential impact of this missense change (SIFT: "Tolerated"; PolyPhen-2: "Probably Damaging"; Align-GVGD: "Class C0"). This variant is not present in population databases (ExAC no frequency) and has not been reported in the literature in individuals with a SPG11-related disease. This sequence change replaces phenylalanine with leucine at codon 501 of the SPG11 protein (p.Phe501Leu). The phenylalanine residue is moderately conserved and there is a small physicochemical difference between phenylalanine and leucine.

NM_025137.4(SPG11):c.1503T>G (p.Phe501Leu)

Gene: SPG11 (SPG11 vesicle trafficking associated, spatacsin; minus strand). Cytogenetic location: 15q21.1.
Variant type: single nucleotide variant.
Coding change: c.1503T>G on transcript NM_025137.4 (MANE Select); coding-DNA position 1503, T replaced by G.
Protein change: p.Phe501Leu; replaces phenylalanine 501 with leucine.
Molecular consequence: missense variant.
Genome position (GRCh38, 1-based): chr15:44,648,965, A>C on the plus strand (T>G on the coding strand, the complement: SPG11 is on the minus strand). VCF-style: chr15-44648965-A-C. GRCh37 (hg19) VCF-style: chr15-44941163-A-C.
Other names: c.1503T>G, p.Phe501Leu (NM_001160227.2); short protein forms F501L.
Identifiers: ClinVar variation 406525 (VCV000406525.8), dbSNP rs1060501175, ClinGen allele CA16614374.